The following is an entry in ClinVar:

ClinVar aggregate classification (germline): Pathogenic. Review status: criteria provided, multiple submitters, no conflicts (2 of 4 stars). 4 submissions from 4 submitters: Pathogenic (4). Last evaluated 2025-03-17.

Conditions:
Stickler syndrome type 1 (STL1). Also called: ARTHROOPHTHALMOPATHY, HEREDITARY PROGRESSIVE; STICKLER SYNDROME, MEMBRANOUS VITREOUS TYPE; STICKLER SYNDROME, VITREOUS TYPE 1; COL2A1-Related Stickler Syndrome. Identifiers: Orphanet 828, Orphanet 90653, MedGen C2020284, MONDO:0007160, OMIM 108300.
COL2A1-related disorder. Also called: COL2A1-related condition; COL2A1-related disorders.

Submissions (4):

3billion
Classification: Pathogenic for COL2A1-related disorder. Last evaluated: 2025-03-17. Review status: criteria provided, single submitter. Criteria: ACMG Guidelines, 2015. Collection method: clinical testing. Allele origin: germline. Affected: yes.
Comment: The variant is not observed in the gnomAD v4.1.0 dataset. Predicted Consequence/Location: Frameshift: predicted to result in a loss or disruption of normal protein function through nonsense-mediated decay (NMD) or protein truncation. Multiple pathogenic variants are reported downstream of the variant. The variant has been previously reported as de novo in a similarly affected individual (PMID: 34930662). The variant has been reported at least twice as pathogenic without evidence for the classification (ClinVar ID: VCV000689620 / PMID: 34930662). Therefore, this variant is classified as Pathogenic according to the recommendation of ACMG/AMP guideline.

Revvity Omics, Revvity
Classification: Pathogenic. Last evaluated: 2024-10-07. Review status: criteria provided, single submitter. Criteria: ACMG Guidelines, 2015. Collection method: clinical testing. Allele origin: germline.

Labcorp Genetics (formerly Invitae), Labcorp
Classification: Pathogenic. Last evaluated: 2023-12-09. Review status: criteria provided, single submitter. Criteria: Invitae Variant Classification Sherloc (09022015). Collection method: clinical testing. Allele origin: germline.
Comment: This sequence change creates a premature translational stop signal (p.Pro164Leufs*35) in the COL2A1 gene. It is expected to result in an absent or disrupted protein product. Loss-of-function variants in COL2A1 are known to be pathogenic (PMID: 20179744). This variant is not present in population databases (gnomAD no frequency). This variant has not been reported in the literature in individuals affected with COL2A1-related conditions. ClinVar contains an entry for this variant (Variation ID: 689620). For these reasons, this variant has been classified as Pathogenic.

HudsonAlpha Institute for Biotechnology
Classification: Pathogenic for Stickler syndrome type 1. Last evaluated: 2019-04-24. Review status: criteria provided, single submitter. Criteria: ACMG Guidelines, 2015. Collection method: research. Allele origin: de novo. Affected: yes. Observed: 1 variant allele. Study: CSER-SouthSeq.
Comment: ACMG codes: PVS1,PS2, PM2

Literature cited by the submitters: PubMed 34930662 (cited by 3billion); PubMed 20179744 (cited by Labcorp Genetics (formerly Invitae), Labcorp).

NM_001844.5(COL2A1):c.491del (p.Pro164fs)

Gene: COL2A1 (collagen type II alpha 1 chain; minus strand). Cytogenetic location: 12q13.11.
Variant type: Deletion.
Coding change: c.491del on transcript NM_001844.5 (MANE Select); coding-DNA position 491, one base deleted (C; older notation c.491delC).
Protein change: p.Pro164fs; shifts the reading frame from proline 164.
Molecular consequence: frameshift variant.
Genome position (GRCh38, 1-based): chr12:47,997,646, G deleted on the plus strand (C on the coding strand, the reverse complement: COL2A1 is on the minus strand); the first of 6 consecutive G bases (chr12:47,997,646-47,997,651); deleting any one gives the same sequence. VCF-style (leftmost placement, unchanged base first): chr12-47997645-AG-A. GRCh37 (hg19) VCF-style: chr12-48391428-AG-A.
Other names: c.491del (NM_001844.4); c.284del, p.Pro95fs (NM_033150.3); short protein forms P164fs, P95fs.
Identifiers: ClinVar variation 689620 (VCV000689620.15), dbSNP rs1592235241, ClinGen allele CA915948794.
Genomic context (GRCh38, chr12:47,997,645, plus strand): 5'-ATGGGAAGTAAGGATACTTACTCCACCAAGACCAGGGGGACCAGGGGGGCCGGGAGGACC[AG>A]GGGGGCCAGGATTTCCAGGGGTCCCAGGTTCTCCATCTCTGCCACGAGGTCCAGGGGCAC-3'